The following is an entry in ClinVar:

NM_007254.4(PNKP):c.744+14G>A

Gene: PNKP (polynucleotide kinase 3'-phosphatase; minus strand). Cytogenetic location: 19q13.33.
Variant type: single nucleotide variant.
Coding change: c.744+14G>A on transcript NM_007254.4 (MANE Select); 14 bases into the intron after coding-DNA position 744, G replaced by A.
Molecular consequence: intron variant.
Genome position (GRCh38, 1-based): chr19:49,863,950, C>T on the plus strand (G>A on the coding strand, the complement: PNKP is on the minus strand). VCF-style: chr19-49863950-C-T. GRCh37 (hg19) VCF-style: chr19-50367207-C-T.
Identifiers: ClinVar variation 381359 (VCV000381359.1), dbSNP rs111647455, ClinGen allele CA16608218.

ClinVar aggregate classification (germline): Likely benign (1 of 4 stars; one submission).

Submission:

GeneDx
Classification: Likely benign. Last evaluated: 2017-11-02. Review status: criteria provided, single submitter. Criteria: GeneDx Variant Classification (06012015). Collection method: clinical testing. Allele origin: germline. Affected: yes.
Comment: This variant is considered likely benign or benign based on one or more of the following criteria: it is a conservative change, it occurs at a poorly conserved position in the protein, it is predicted to be benign by multiple in silico algorithms, and/or has population frequency not consistent with disease.